The following is an entry in ClinVar:

ClinVar aggregate classification (germline): Conflicting classifications of pathogenicity. Review status: criteria provided, conflicting classifications (1 of 4 stars). 3 submissions from 3 submitters: Uncertain significance (1); Likely benign (2). Last evaluated 2025-01-20.

Conditions:
Cardiomyopathy (CMYO). Also called: Cardiomyopathies. Identifiers: Orphanet 167848, MedGen C0878544, MONDO:0004994, HP:0001638. Inheritance: Various modes of inheritance.
Cardiovascular phenotype. Identifiers: MedGen CN230736.
Hypertrophic cardiomyopathy. Also called: HYPERTROPHIC MYOCARDIOPATHY. Identifiers: Orphanet 217569, MedGen C0007194, MeSH D002312, MONDO:0005045, HP:0001639.

Allele frequency attached by ClinVar (database versions not stated): gnomAD exomes below 0.00001; TOPMed 0.00002.

Submissions (3):

Labcorp Genetics (formerly Invitae), Labcorp
Classification: Likely benign for Hypertrophic cardiomyopathy. Last evaluated: 2025-01-20. Review status: criteria provided, single submitter. Criteria: Invitae Variant Classification Sherloc (09022015). Collection method: clinical testing. Allele origin: germline.

All of Us Research Program, National Institutes of Health
Classification: Likely benign for Cardiomyopathy. Last evaluated: 2024-08-19. Review status: criteria provided, single submitter. Criteria: ACMG Guidelines, 2015. Collection method: clinical testing. Allele origin: germline. Inheritance: Autosomal dominant inheritance. Observed: 4 variant alleles, 4 heterozygotes.
Comment: This study involves interpretation of variants in research participants for the purpose of population health screening. Participant phenotype was not available at the time of variant classification. Additional details can be found in publication PMID: 35346344, PMCID: PMC8962531

Ambry Genetics
Classification: Uncertain significance for Cardiovascular phenotype. Last evaluated: 2022-04-22. Review status: criteria provided, single submitter. Criteria: Ambry Variant Classification Scheme 2023. Collection method: clinical testing. Allele origin: germline.
Comment: The c.195T>C (p.Y65Y) alteration is located in exon 3 (coding exon 1) of the MYH7 gene. This alteration consists of a T to C substitution at nucleotide position 195. This nucleotide substitution does not change the amino acid at codon 65. However, this change occurs in the last nucleotide of Exon 3 (c.-8_201) which makes it likely to have some effect on normal mRNA splicing. Based on insufficient or conflicting evidence, the clinical significance of this alteration remains unclear.

NM_000257.4(MYH7):c.195T>C (p.Tyr65=)

Gene: MYH7 (myosin heavy chain 7; minus strand). Cytogenetic location: 14q11.2.
Variant type: single nucleotide variant.
Coding change: c.195T>C on transcript NM_000257.4 (MANE Select); coding-DNA position 195, T replaced by C.
Protein change: p.Tyr65=; no amino-acid change (tyrosine 65 retained).
Molecular consequence: synonymous variant.
Genome position (GRCh38, 1-based): chr14:23,433,538, A>G on the plus strand (T>C on the coding strand, the complement: MYH7 is on the minus strand). VCF-style: chr14-23433538-A-G. GRCh37 (hg19) VCF-style: chr14-23902747-A-G.
Identifiers: ClinVar variation 1099143 (VCV001099143.11), dbSNP rs934278063, ClinGen allele CA257826864.